The following is an entry in ClinVar:

NM_003072.5(SMARCA4):c.596A>G (p.His199Arg)

Gene: SMARCA4 (SWI/SNF related BAF chromatin remodeling complex subunit ATPase 4; plus strand). Cytogenetic location: 19p13.2.
Variant type: single nucleotide variant.
Coding change: c.596A>G on transcript NM_003072.5 (MANE Select); coding-DNA position 596, A replaced by G.
Protein change: p.His199Arg; replaces histidine 199 with arginine.
Molecular consequence: missense variant. On other transcripts: non-coding transcript variant (1).
Genome position (GRCh38, 1-based): chr19:10,986,429, A>G. VCF-style: chr19-10986429-A-G. GRCh37 (hg19) VCF-style: chr19-11097105-A-G.
Other names: c.596A>G, p.His199Arg (NM_001128844.3, NM_001128845.2, NM_001128846.2 and 6 more transcripts); short protein forms H199R.
Identifiers: ClinVar variation 5029854 (VCV005029854.1).

ClinVar aggregate classification (germline): Uncertain significance (1 of 4 stars; one submission).

Conditions:
Hereditary cancer-predisposing syndrome. Also called: Neoplastic Syndromes, Hereditary; Tumor predisposition; Hereditary neoplastic syndrome; Hereditary Cancer Syndrome. Identifiers: Orphanet 140162, MedGen C0027672, MeSH D009386, MONDO:0015356.

gnomAD v4.1: 1 of 1,573,098 alleles (0.000064%); highest among the groups gnomAD compares: African/African-American, 0.0014%; no homozygotes.

Submission:

Ambry Genetics
Classification: Uncertain significance for Hereditary cancer-predisposing syndrome. Last evaluated: 2026-07-07. Review status: criteria provided, single submitter. Criteria: Ambry Variant Classification Scheme 2023. Collection method: clinical testing. Allele origin: germline.
Comment: The p.H199R variant (also known as c.596A>G), located in coding exon 3 of the SMARCA4 gene, results from an A to G substitution at nucleotide position 596. The histidine at codon 199 is replaced by arginine, an amino acid with highly similar properties. This amino acid position is conserved. In addition, the in silico prediction for this alteration is inconclusive. Based on the available evidence, the clinical significance of this variant remains unclear.